The following is an entry in ClinVar:

ClinVar aggregate classification (germline): Pathogenic. Review status: criteria provided, multiple submitters, no conflicts (2 of 4 stars). 4 submissions from 3 submitters: Pathogenic (4). Last evaluated 2026-02-19.

Conditions:
ANK2-associated Neurodevelopmental Disorder.
Cardiac arrhythmia, ankyrin-B-related. Also called: ANKYRIN-B SYNDROME. Identifiers: Orphanet 101016, Orphanet 768, MedGen C1970119, MONDO:0010958, OMIM 600919.

gnomAD v4.1: 2 of 1,614,030 alleles (0.00012%); highest among the groups gnomAD compares: Non-Finnish European, 0.000085%; no homozygotes.

Submissions (4):

GeneDx
Classification: Pathogenic. Last evaluated: 2026-02-19. Review status: criteria provided, single submitter. Criteria: GeneDx Variant Classification Process June 2021. Collection method: clinical testing. Allele origin: germline.
Comment: Nonsense variant predicted to result in protein truncation or nonsense mediated decay in a gene for which loss of function is a known mechanism of disease; Not observed at significant frequency in large population cohorts (gnomAD); This variant is associated with the following publications: (PMID: 35982160, 35982159, 28191890, 31332282, 28714951, 31981491, 31785789, 30134165, 35313230, 25363760, 27824329)

CeGaT Center for Human Genetics Tuebingen
Classification: Pathogenic. Last evaluated: 2025-12-01. Review status: criteria provided, single submitter. Criteria: CeGaT Center For Human Genetics Tuebingen Variant Classification Criteria Version 2. Collection method: clinical testing. Allele origin: germline. Affected: yes. Observed: 1 variant allele.
Comment: ANK2: PS2, PVS1:Strong, PS4:Moderate, PM2:Supporting

Institute of Human Genetics, University of Leipzig Medical Center
Classification: Pathogenic for Cardiac arrhythmia, ankyrin-B-related. Last evaluated: 2023-11-27. Review status: criteria provided, single submitter. Criteria: ACMG Guidelines, 2015. Collection method: clinical testing. Allele origin: de novo. Inheritance: Autosomal dominant inheritance. Affected: yes.
Comment: Criteria applied: PVS1,PS2_MOD,PS4_MOD,PM2_SUP

Institute of Human Genetics, University of Leipzig Medical Center
Classification: Pathogenic for ANK2-associated neurodevelopmental disorder. Last evaluated: 2023-05-09. Review status: criteria provided, single submitter. Criteria: ACMG Guidelines, 2015. Collection method: clinical testing. Allele origin: unknown. Inheritance: Autosomal dominant inheritance. Affected: yes.
Comment: the same text as in the submission from Institute of Human Genetics, University of Leipzig Medical Center above.

Literature cited by the submitters: PubMed 25363760 (cited by Institute of Human Genetics, University of Leipzig Medical Center).

NM_001148.6(ANK2):c.3262C>T (p.Arg1088Ter)

Gene: ANK2 (ankyrin 2; plus strand). Cytogenetic location: 4q26.
Variant type: single nucleotide variant.
Coding change: c.3262C>T on transcript NM_001148.6 (MANE Select); coding-DNA position 3262, C replaced by T.
Protein change: p.Arg1088Ter; replaces arginine 1088 with a stop codon.
Molecular consequence: nonsense.
Genome position (GRCh38, 1-based): chr4:113,333,091, C>T. VCF-style: chr4-113333091-C-T. GRCh37 (hg19) VCF-style: chr4-114254247-C-T.
Other names: c.3304C>T, p.Arg1102Ter (NM_001354242.2, NM_001354231.2); c.3199C>T, p.Arg1067Ter (NM_001354243.2, NM_001354255.2, NM_001386143.1); c.3196C>T, p.Arg1066Ter (NM_001354244.2, NM_001354256.2, NM_001386161.1); c.3100C>T, p.Arg1034Ter (NM_001354245.2, NM_001354262.2, NM_001354275.2); c.3259C>T, p.Arg1087Ter (NM_001354246.2, NM_001354265.2, NM_001354235.2); c.3076C>T, p.Arg1026Ter (NM_001354249.2, NM_001354264.2, NM_001354266.2 and 7 more transcripts); c.3232C>T, p.Arg1078Ter (NM_001354252.2, NM_001354239.2); c.3037C>T, p.Arg1013Ter (NM_001354253.2, NM_001354270.2); and 28 more; short protein forms R1001*, R1013*, R1017*, R1021*, R1022*, R1026*, R1034*, R1036*.
Identifiers: ClinVar variation 2576605 (VCV002576605.8), dbSNP rs2153942439, ClinGen allele CA357935970.
Genomic context (GRCh38, chr4:113,333,091, plus strand): 5'-AATGTTCTGCATTGCTATGTCAGGCCTGTGATCGTGGAGATCCCTCACTTTGCGGCCCTT[C>T]GAGGAAAGGAAAGGGAACTGGTGGTCCTGCGCAGTGAGAATGGGGACAGCTGGAAAGAGC-3'